The following is an entry in ClinVar:

ClinVar aggregate classification (germline): Likely pathogenic. Review status: criteria provided, multiple submitters, no conflicts (2 of 4 stars). 2 submissions from 2 submitters: Likely pathogenic (2). Last evaluated 2026-01-19.

Conditions:
3-methylcrotonyl-CoA carboxylase 2 deficiency. Also called: METHYLCROTONYLGLYCINURIA, TYPE II; 3 alpha methylcrotonyl-CoA carboxylase 2 deficiency; 3 alpha methylcrotonylglycinuria 2; MCC 2 deficiency; Methylcrotonylglycinuria type 2. Identifiers: Orphanet 6, MedGen C1859499, MONDO:0008862, OMIM 210210.

Submissions (2):

Labcorp Genetics (formerly Invitae), Labcorp
Classification: Likely pathogenic for 3-methylcrotonyl-CoA carboxylase 2 deficiency. Last evaluated: 2026-01-19. Review status: criteria provided, single submitter. Criteria: Invitae Variant Classification Sherloc (09022015). Collection method: clinical testing. Allele origin: germline.
Comment: This sequence change affects an acceptor splice site in intron 6 of the MCCC2 gene. It is expected to disrupt RNA splicing. Variants that disrupt the donor or acceptor splice site typically lead to a loss of protein function (PMID: 16199547), and loss-of-function variants in MCCC2 are known to be pathogenic (PMID: 11181649, 22642865). This variant is not present in population databases (gnomAD no frequency). This variant has not been reported in the literature in individuals affected with MCCC2-related conditions. ClinVar contains an entry for this variant (Variation ID: 3241907). Algorithms developed to predict the effect of sequence changes on RNA splicing suggest that this variant may disrupt the consensus splice site. In summary, the currently available evidence indicates that the variant is pathogenic, but additional data are needed to prove that conclusively. Therefore, this variant has been classified as Likely Pathogenic.

Baylor Genetics
Classification: Likely pathogenic for 3-methylcrotonyl-CoA carboxylase 2 deficiency. Last evaluated: 2023-11-21. Review status: criteria provided, single submitter. Criteria: ACMG Guidelines, 2015. Collection method: clinical testing. Allele origin: unknown.

Literature cited by the submitters: PubMed 16199547 (cited by Labcorp Genetics (formerly Invitae), Labcorp); PubMed 11181649 (cited by Labcorp Genetics (formerly Invitae), Labcorp); PubMed 22642865 (cited by Labcorp Genetics (formerly Invitae), Labcorp).

NM_022132.5(MCCC2):c.625-1G>A

Gene: MCCC2 (methylcrotonyl-CoA carboxylase subunit 2; plus strand). Cytogenetic location: 5q13.2.
Variant type: single nucleotide variant.
Coding change: c.625-1G>A on transcript NM_022132.5 (MANE Select); the canonical splice acceptor site of the intron before coding-DNA position 625, G replaced by A.
Molecular consequence: splice acceptor variant. On other transcripts: intron variant (1).
Genome position (GRCh38, 1-based): chr5:71,626,639, G>A. VCF-style: chr5-71626639-G-A. GRCh37 (hg19) VCF-style: chr5-70922466-G-A.
Other names: c.625-5482G>A (NM_001363147.1).
Identifiers: ClinVar variation 3241907 (VCV003241907.2), dbSNP rs2530808441.